The following is an entry in ClinVar:

ClinVar aggregate classification (germline): Uncertain significance. Review status: criteria provided, multiple submitters, no conflicts (2 of 4 stars). 2 submissions from 2 submitters: Uncertain significance (2). Last evaluated 2025-05-18.

Allele frequency attached by ClinVar (database versions not stated): gnomAD 0.00001; TOPMed 0.00001.
gnomAD v4.1: 1 of 1,614,092 alleles (0.000062%); highest among the groups gnomAD compares: Non-Finnish European, 0.000085%; no homozygotes.

Submissions (2):

Ambry Genetics
Classification: Uncertain significance. Last evaluated: 2025-05-18. Review status: criteria provided, single submitter. Criteria: Ambry Variant Classification Scheme 2023. Collection method: clinical testing. Allele origin: germline.

Labcorp Genetics (formerly Invitae), Labcorp
Classification: Uncertain significance. Last evaluated: 2023-11-27. Review status: criteria provided, single submitter. Criteria: Invitae Variant Classification Sherloc (09022015). Collection method: clinical testing. Allele origin: germline.
Comment: This sequence change replaces lysine, which is basic and polar, with threonine, which is neutral and polar, at codon 75 of the DHX38 protein (p.Lys75Thr). This variant is not present in population databases (gnomAD no frequency). This variant has not been reported in the literature in individuals affected with DHX38-related conditions. ClinVar contains an entry for this variant (Variation ID: 1971663). An algorithm developed to predict the effect of missense changes on protein structure and function (PolyPhen-2) suggests that this variant is likely to be tolerated. In summary, the available evidence is currently insufficient to determine the role of this variant in disease. Therefore, it has been classified as a Variant of Uncertain Significance.

NM_014003.4(DHX38):c.224A>C (p.Lys75Thr)

Gene: DHX38 (DEAH-box helicase 38; plus strand). Cytogenetic location: 16q22.2.
Variant type: single nucleotide variant.
Coding change: c.224A>C on transcript NM_014003.4 (MANE Select); coding-DNA position 224, A replaced by C.
Protein change: p.Lys75Thr; replaces lysine 75 with threonine.
Molecular consequence: missense variant.
Genome position (GRCh38, 1-based): chr16:72,096,381, A>C. VCF-style: chr16-72096381-A-C. GRCh37 (hg19) VCF-style: chr16-72130280-A-C.
Other names: c.224A>C (NM_014003.3); short protein forms K75T.
Identifiers: ClinVar variation 1971663 (VCV001971663.6), dbSNP rs1243665315, ClinGen allele CA396700036.